The following is an entry in ClinVar:

NM_000234.3(LIG1):c.857+6del

Gene: LIG1 (DNA ligase 1; minus strand). Cytogenetic location: 19q13.33.
Variant type: Deletion.
Coding change: c.857+6del on transcript NM_000234.3 (MANE Select); 6 bases into the intron after coding-DNA position 857, one base deleted (G; older notation c.857+6delG).
Molecular consequence: intron variant.
Genome position (GRCh38, 1-based): chr19:48,143,877, C deleted on the plus strand (G on the coding strand, the reverse complement: LIG1 is on the minus strand); the first of 2 consecutive C bases (chr19:48,143,877-48,143,878); deleting either gives the same sequence. VCF-style (leftmost placement, unchanged base first): chr19-48143876-AC-A. GRCh37 (hg19) VCF-style: chr19-48647133-AC-A.
Other names: c.764+6del (NM_001289063.2); c.767+6del (NM_001320971.2); c.653+6del (NM_001289064.2); c.854+6del (NM_001320970.2).
Identifiers: ClinVar variation 1510781 (VCV001510781.5), dbSNP rs752126531, ClinGen allele CA9547097.
Genomic context (GRCh38, chr19:48,143,876, plus strand): 5'-CTGCTTAGAGAGCCTCCGGTGGCAACAGGGACCGGAGGGGGACAGTCTGAAAAGGGAGAA[AC>A]CTCACTTCTGGCCCGGTTTCCAGCAGGCATCTTCCACGGGATGATAGTTGTTCTTGGCAG-3'

ClinVar aggregate classification (germline): Uncertain significance (1 of 4 stars; one submission).

Submission:

Labcorp Genetics (formerly Invitae), Labcorp
Classification: Uncertain significance. Last evaluated: 2022-07-25. Review status: criteria provided, single submitter. Criteria: Invitae Variant Classification Sherloc (09022015). Collection method: clinical testing. Allele origin: germline.
Comment: This variant is present in population databases (rs752126531, gnomAD 0.004%). This sequence change falls in intron 10 of the LIG1 gene. It does not directly change the encoded amino acid sequence of the LIG1 protein. It affects a nucleotide within the consensus splice site. This variant has not been reported in the literature in individuals affected with LIG1-related conditions. ClinVar contains an entry for this variant (Variation ID: 1510781). Variants that disrupt the consensus splice site are a relatively common cause of aberrant splicing (PMID: 17576681, 9536098). Algorithms developed to predict the effect of sequence changes on RNA splicing suggest that this variant may disrupt the consensus splice site. In summary, the available evidence is currently insufficient to determine the role of this variant in disease. Therefore, it has been classified as a Variant of Uncertain Significance.

Literature cited by the submitters: PubMed 17576681; PubMed 9536098.